The following is an entry in ClinVar:

NM_000059.4(BRCA2):c.7710G>C (p.Lys2570Asn)

Gene: BRCA2 (BRCA2 DNA repair associated; plus strand). Cytogenetic location: 13q13.1.
Variant type: single nucleotide variant.
Coding change: c.7710G>C on transcript NM_000059.4 (MANE Select); coding-DNA position 7710, G replaced by C.
Protein change: p.Lys2570Asn; replaces lysine 2570 with asparagine.
Molecular consequence: missense variant.
Genome position (GRCh38, 1-based): chr13:32,357,834, G>C. VCF-style: chr13-32357834-G-C. GRCh37 (hg19) VCF-style: chr13-32931971-G-C.
Other names: c.7614G>C, p.Lys2538Asn (NM_001406719.1); c.7710G>C, p.Lys2570Asn (NM_001406720.1); c.2778G>C, p.Lys926Asn (NM_001406721.1); c.1293G>C, p.Lys431Asn (NM_001406722.1); short protein forms K2570N, K431N, K926N, K2538N.
Identifiers: ClinVar variation 1760268 (VCV001760268.2), dbSNP rs2137566952, ClinGen allele CA387745335.

ClinVar aggregate classification (germline): Uncertain significance (1 of 4 stars; one submission).

Conditions:
Hereditary cancer-predisposing syndrome. Also called: Neoplastic Syndromes, Hereditary; Tumor predisposition; Hereditary Cancer Syndrome; Hereditary neoplastic syndrome. Identifiers: Orphanet 140162, MedGen C0027672, MeSH D009386, MONDO:0015356.

Submission:

Ambry Genetics
Classification: Uncertain significance for Hereditary cancer-predisposing syndrome. Last evaluated: 2021-06-14. Review status: criteria provided, single submitter. Criteria: Ambry Variant Classification Scheme 2023. Collection method: clinical testing. Allele origin: germline.
Comment: The p.K2570N variant (also known as c.7710G>C), located in coding exon 15 of the BRCA2 gene, results from a G to C substitution at nucleotide position 7710. The lysine at codon 2570 is replaced by asparagine, an amino acid with similar properties. This amino acid position is not well conserved in available vertebrate species. In addition, the in silico prediction for this alteration is inconclusive. Since supporting evidence is limited at this time, the clinical significance of this alteration remains unclear.